The following is an entry in ClinVar:

ClinVar aggregate classification (germline): Uncertain significance. Review status: criteria provided, multiple submitters, no conflicts (2 of 4 stars). 2 submissions from 2 submitters: Uncertain significance (2). Last evaluated 2024-10-15.

Conditions:
Tay-Sachs disease (TSD). Also called: Hexosaminidase A Deficiency; GM2 gangliosidosis, type 1; Hexosaminidase alpha-subunit deficiency (variant B); Sphingolipidosis, Tay-Sachs; HEXA Disorders; HEXA DEFICIENCY. Identifiers: Orphanet 845, MedGen C0039373, MONDO:0010100, OMIM 272800.

Allele frequency attached by ClinVar (database versions not stated): gnomAD 0.00001; gnomAD exomes 0.00001; ExAC 0.00003; 1000 Genomes Project 30x 0.00016; 1000 Genomes Project 0.00020.
gnomAD v4.1: 12 of 1,613,806 alleles (0.00074%); highest among the groups gnomAD compares: South Asian, 0.013%; no homozygotes.

Submissions (2):

Blueprint Genetics
Classification: Uncertain significance. Last evaluated: 2024-10-15. Review status: criteria provided, single submitter. Criteria: ACMG Guidelines, 2015. Collection method: clinical testing. Allele origin: germline.

Labcorp Genetics (formerly Invitae), Labcorp
Classification: Uncertain significance for Tay-Sachs disease. Last evaluated: 2018-04-12. Review status: criteria provided, single submitter. Criteria: Invitae Variant Classification Sherloc (09022015). Collection method: clinical testing. Allele origin: germline.
Comment: This sequence change replaces phenylalanine with valine at codon 348 of the HEXA protein (p.Phe348Val). The phenylalanine residue is moderately conserved and there is a small physicochemical difference between phenylalanine and valine. This variant is present in population databases (rs574497871, ExAC 0.02%). This variant has not been reported in the literature in individuals with HEXA-related disease. Algorithms developed to predict the effect of missense changes on protein structure and function do not agree on the potential impact of this missense change (SIFT: "Deleterious"; PolyPhen-2: "Possibly Damaging"; Align-GVGD: "Class C0"). In summary, the available evidence is currently insufficient to determine the role of this variant in disease. Therefore, it has been classified as a Variant of Uncertain Significance.

NM_000520.6(HEXA):c.1042T>G (p.Phe348Val)

Gene: HEXA (hexosaminidase subunit alpha; minus strand). Cytogenetic location: 15q23.
Variant type: single nucleotide variant.
Coding change: c.1042T>G on transcript NM_000520.6 (MANE Select); coding-DNA position 1042, T replaced by G.
Protein change: p.Phe348Val; replaces phenylalanine 348 with valine.
Molecular consequence: missense variant. On other transcripts: non-coding transcript variant (1).
Genome position (GRCh38, 1-based): chr15:72,348,079, A>C on the plus strand (T>G on the coding strand, the complement: HEXA is on the minus strand). VCF-style: chr15-72348079-A-C. GRCh37 (hg19) VCF-style: chr15-72640420-A-C.
Other names: c.1075T>G, p.Phe359Val (NM_001318825.2); short protein forms F348V, F359V.
Identifiers: ClinVar variation 2168946 (VCV002168946.2), dbSNP rs574497871, ClinGen allele CA7644833.